The following is an entry in ClinVar:

NM_000088.4(COL1A1):c.800A>G (p.His267Arg)

Genes: COL1A1 (collagen type I alpha 1 chain; minus strand), LOC126862586 (CDK7 strongly-dependent group 2 enhancer GRCh37_chr17:48273702-48274901; plus strand). Cytogenetic location: 17q21.33.
Variant type: single nucleotide variant.
Coding change: c.800A>G on transcript NM_000088.4 (MANE Select); coding-DNA position 800, A replaced by G.
Protein change: p.His267Arg; replaces histidine 267 with arginine.
Molecular consequence: missense variant.
Genome position (GRCh38, 1-based): chr17:50,197,014, T>C on the plus strand (A>G on the coding strand, the complement: COL1A1 is on the minus strand). VCF-style: chr17-50197014-T-C. GRCh37 (hg19) VCF-style: chr17-48274375-T-C.
Other names: short protein forms H267R.
Identifiers: ClinVar variation 4800895 (VCV004800895.1).
Genomic context (GRCh38, chr17:50,197,014, plus strand): 5'-CTGGATGGGGGTATGCTAGGGACTTGGGGAGCTTAAATGACTCAAAGGTGACTCACTCTG[T>C]GTCCCTTCATTCCAGGGAGGCCAGCTGTTCCGGGCAATCCTCGAGCACCCTGGAGAGAGA-3'
Protein context (NP_000079.2, residues 257-277): GTAGLPGMKG[His267Arg]RGFSGLDGAK

ClinVar aggregate classification (germline): Uncertain significance (1 of 4 stars; one submission).

Conditions:
Osteogenesis imperfecta type I (OI1). Also called: OI, TYPE I; OSTEOGENESIS IMPERFECTA TARDA; OSTEOGENESIS IMPERFECTA WITH BLUE SCLERAE; Lobstein's Disease; Osteogenesis imperfecta type 1; Classic Non-deforming Osteogenesis Imperfecta with Blue Sclerae. Identifiers: Orphanet 216796, Orphanet 666, MedGen C0023931, MONDO:0008146, OMIM 166200. Disease mechanism: loss of function.

Submission:

Labcorp Genetics (formerly Invitae), Labcorp
Classification: Uncertain significance for Osteogenesis imperfecta type I. Last evaluated: 2025-07-30. Review status: criteria provided, single submitter. Criteria: Invitae Variant Classification Sherloc (09022015). Collection method: clinical testing. Allele origin: germline.
Comment: This sequence change replaces histidine, which is basic and polar, with arginine, which is basic and polar, at codon 267 of the COL1A1 protein (p.His267Arg). This variant is not present in population databases (gnomAD no frequency). This variant has not been reported in the literature in individuals affected with COL1A1-related conditions. Invitae Evidence Modeling of protein sequence and biophysical properties (such as structural, functional, and spatial information, amino acid conservation, physicochemical variation, residue mobility, and thermodynamic stability) has been performed for this missense variant. However, the output from this modeling did not meet the statistical confidence thresholds required to predict the impact of this variant on COL1A1 protein function. In summary, the available evidence is currently insufficient to determine the role of this variant in disease. Therefore, it has been classified as a Variant of Uncertain Significance.